The following is an entry in ClinVar:

NC_000013.10:g.48575208del

Gene: SUCLA2 (succinate-CoA ligase ADP-forming subunit beta; minus strand).
Variant type: Deletion.
Identifiers: ClinVar variation 676420 (VCV000676420.1), dbSNP rs11316376.

ClinVar aggregate classification (germline): Benign (1 of 4 stars; one submission).

Submission:

GeneDx
Classification: Benign. Last evaluated: 2018-06-14. Review status: criteria provided, single submitter. Criteria: GeneDx Variant Classification (06012015). Collection method: clinical testing. Allele origin: germline. Affected: yes.
Comment: This variant is considered likely benign or benign based on one or more of the following criteria: it is a conservative change, it occurs at a poorly conserved position in the protein, it is predicted to be benign by multiple in silico algorithms, and/or has population frequency not consistent with disease.